The following is an entry in ClinVar:

NM_000875.5(IGF1R):c.1256C>G (p.Ser419Cys)

Gene: IGF1R (insulin like growth factor 1 receptor; plus strand). Cytogenetic location: 15q26.3.
Variant type: single nucleotide variant.
Coding change: c.1256C>G on transcript NM_000875.5 (MANE Select); coding-DNA position 1256, C replaced by G.
Protein change: p.Ser419Cys; replaces serine 419 with cysteine.
Molecular consequence: missense variant.
Genome position (GRCh38, 1-based): chr15:98,908,693, C>G. VCF-style: chr15-98908693-C-G. GRCh37 (hg19) VCF-style: chr15-99451922-C-G.
Other names: c.1256C>G, p.Ser419Cys (NM_001291858.2); short protein forms S419C.
Identifiers: ClinVar variation 3768769 (VCV003768769.1).

ClinVar aggregate classification (germline): Uncertain significance (1 of 4 stars; one submission).

Submission:

Women's Health and Genetics/Laboratory Corporation of America, LabCorp
Classification: Uncertain significance. Last evaluated: 2025-02-04. Review status: criteria provided, single submitter. Criteria: LabCorp Variant Classification Summary - May 2015. Collection method: clinical testing. Allele origin: germline.
Comment: Variant summary: IGF1R c.1256C>G (p.Ser419Cys) results in a non-conservative amino acid change located in the Receptor L domain (IPR000494) of the encoded protein sequence. Five of five in-silico tools predict a damaging effect of the variant on protein function. The variant was absent in 250872 control chromosomes. The available data on variant occurrences in the general population are insufficient to allow any conclusion about variant significance. To our knowledge, no occurrence of c.1256C>G in individuals affected with Growth Delay Due To Insulin-Like Growth Factor I Resistance and no experimental evidence demonstrating its impact on protein function have been reported. No submitters have cited clinical-significance assessments for this variant to ClinVar. Based on the evidence outlined above, the variant was classified as uncertain significance.